The following is an entry in ClinVar:

ClinVar aggregate classification (germline): Uncertain significance. Review status: criteria provided, multiple submitters, no conflicts (2 of 4 stars). 2 submissions from 2 submitters: Uncertain significance (2). Last evaluated 2025-10-15.

Conditions:
Pitt-Hopkins-like syndrome 2 (PTHSL2). Identifiers: Orphanet 221150, Orphanet 600663, MedGen C3280479, MONDO:0013690, OMIM 614325.

gnomAD v4.1: 16 of 1,603,474 alleles (0.001%); highest among the groups gnomAD compares: South Asian, 0.0033%; no homozygotes.

Submissions (2):

GeneDx
Classification: Uncertain significance. Last evaluated: 2025-10-15. Review status: criteria provided, single submitter. Criteria: GeneDx Variant Classification Process June 2021. Collection method: clinical testing. Allele origin: germline. Affected: yes.
Comment: Not observed at significant frequency in large population cohorts (gnomAD); In silico analysis suggests that this missense variant does not alter protein structure/function; Has not been previously published as pathogenic or benign to our knowledge

Labcorp Genetics (formerly Invitae), Labcorp
Classification: Uncertain significance for Pitt-Hopkins-like syndrome 2. Last evaluated: 2024-04-10. Review status: criteria provided, single submitter. Criteria: Invitae Variant Classification Sherloc (09022015). Collection method: clinical testing. Allele origin: germline.
Comment: This sequence change replaces valine, which is neutral and non-polar, with isoleucine, which is neutral and non-polar, at codon 109 of the NRXN1 protein (p.Val109Ile). This variant is present in population databases (no rsID available, gnomAD 0.0009%). This variant has not been reported in the literature in individuals affected with NRXN1-related conditions. ClinVar contains an entry for this variant (Variation ID: 430408). An algorithm developed to predict the effect of missense changes on protein structure and function (PolyPhen-2) suggests that this variant is likely to be tolerated. In summary, the available evidence is currently insufficient to determine the role of this variant in disease. Therefore, it has been classified as a Variant of Uncertain Significance.

NM_001330078.2(NRXN1):c.325G>A (p.Val109Ile)

Gene: NRXN1 (neurexin 1; minus strand). Cytogenetic location: 2p16.3.
Variant type: single nucleotide variant.
Coding change: c.325G>A on transcript NM_001330078.2 (MANE Select); coding-DNA position 325, G replaced by A.
Protein change: p.Val109Ile; replaces valine 109 with isoleucine.
Molecular consequence: missense variant.
Genome position (GRCh38, 1-based): chr2:51,027,949, C>T on the plus strand (G>A on the coding strand, the complement: NRXN1 is on the minus strand). VCF-style: chr2-51027949-C-T. GRCh37 (hg19) VCF-style: chr2-51255087-C-T.
Other names: c.325G>A, p.Val109Ile (NM_001135659.3, NM_001330077.2, NM_001330079.2 and 15 more transcripts); short protein forms V109I.
Identifiers: ClinVar variation 430408 (VCV000430408.12), dbSNP rs779979011, ClinGen allele CA346824240.